The following is an entry in ClinVar:

NM_002858.4(ABCD3):c.182A>T (p.Lys61Met)

Gene: ABCD3 (ATP binding cassette subfamily D member 3; plus strand). Cytogenetic location: 1p21.3.
Variant type: single nucleotide variant.
Coding change: c.182A>T on transcript NM_002858.4 (MANE Select); coding-DNA position 182, A replaced by T.
Protein change: p.Lys61Met; replaces lysine 61 with methionine.
Molecular consequence: missense variant.
Genome position (GRCh38, 1-based): chr1:94,464,809, A>T. VCF-style: chr1-94464809-A-T. GRCh37 (hg19) VCF-style: chr1-94930365-A-T.
Other names: c.182A>T, p.Lys61Met (NM_001122674.2); short protein forms K61M.
Identifiers: ClinVar variation 1398735 (VCV001398735.8), dbSNP rs1054953872, ClinGen allele CA26870055.

ClinVar aggregate classification (germline): Uncertain significance (1 of 4 stars; one submission).

Allele frequency attached by ClinVar (database versions not stated): gnomAD exomes below 0.00001 and 0.00002; TOPMed 0.00001.
gnomAD v4.1: 5 of 1,613,780 alleles (0.00031%); highest among the groups gnomAD compares: Admixed American, 0.0083%; no homozygotes.

Submission:

Labcorp Genetics (formerly Invitae), Labcorp
Classification: Uncertain significance. Last evaluated: 2021-07-18. Review status: criteria provided, single submitter. Criteria: Invitae Variant Classification Sherloc (09022015). Collection method: clinical testing. Allele origin: germline.
Comment: In summary, the available evidence is currently insufficient to determine the role of this variant in disease. Therefore, it has been classified as a Variant of Uncertain Significance. Algorithms developed to predict the effect of missense changes on protein structure and function are either unavailable or do not agree on the potential impact of this missense change (SIFT: "Deleterious"; PolyPhen-2: "Benign"; Align-GVGD: "Class C0"). This variant has not been reported in the literature in individuals affected with ABCD3-related conditions. This variant is not present in population databases (ExAC no frequency). This sequence change replaces lysine with methionine at codon 61 of the ABCD3 protein (p.Lys61Met). The lysine residue is moderately conserved and there is a moderate physicochemical difference between lysine and methionine.